The following is an entry in ClinVar:

NM_000939.4(POMC):c.157G>A (p.Asp53Asn)

Genes: POMC (proopiomelanocortin; minus strand), LOC129933280 (ATAC-STARR-seq lymphoblastoid silent region 11244; plus strand). Cytogenetic location: 2p23.3.
Variant type: single nucleotide variant.
Coding change: c.157G>A on transcript NM_000939.4 (MANE Select); coding-DNA position 157, G replaced by A.
Protein change: p.Asp53Asn; replaces aspartic acid 53 with asparagine.
Molecular consequence: missense variant.
Genome position (GRCh38, 1-based): chr2:25,161,728, C>T on the plus strand (G>A on the coding strand, the complement: POMC is on the minus strand). VCF-style: chr2-25161728-C-T. GRCh37 (hg19) VCF-style: chr2-25384597-C-T.
Other names: c.157G>A, p.Asp53Asn (NM_001035256.3, NM_001319204.2, NM_001319205.2); short protein forms D53N.
Identifiers: ClinVar variation 4985337 (VCV004985337.1).
Genomic context (GRCh38, chr2:25,161,728, plus strand): 5'-TCTCGGTCAGAGGCTGCTCGTCGCCATTTCCCGGGAACATGGGAGTCTCGGCCGAGAGGT[C>T]GGGCTTGCAGGCCCGGATGCACTCCTGGGGGAAGACGCGAGGGCATGAGGGCAGCCCGTG-3'
Protein context (NP_000930.1, residues 43-63): LLECIRACKP[Asp53Asn]LSAETPMFPG

ClinVar aggregate classification (germline): Uncertain significance (1 of 4 stars; one submission).

Conditions:
POMC-related disorder. Also called: POMC-related condition; POMC-related disorders.

Submission:

PreventionGenetics, part of Exact Sciences
Classification: Uncertain significance for POMC-related condition. Last evaluated: 2025-07-21. Review status: criteria provided, single submitter. Criteria: ACMG Guidelines, 2015. Collection method: clinical testing. Allele origin: germline.
Comment: The POMC c.157G>A variant is predicted to result in the amino acid substitution p.Asp53Asn. To our knowledge, this variant has not been reported in POMC related disease. This variant is reported in 0.0038% of alleles in individuals of South Asian descent in gnomAD. At this time, the clinical significance of this variant is uncertain due to the absence of conclusive functional and genetic evidence.